The following is an entry in ClinVar:

NM_006306.4(SMC1A):c.1114-3C>T

Gene: SMC1A (structural maintenance of chromosomes 1A; minus strand). Cytogenetic location: Xp11.22.
Variant type: single nucleotide variant.
Coding change: c.1114-3C>T on transcript NM_006306.4 (MANE Select); 3 bases into the intron before coding-DNA position 1114, C replaced by T.
Molecular consequence: intron variant.
Genome position (GRCh38, 1-based): chrX:53,411,904, G>A on the plus strand (C>T on the coding strand, the complement: SMC1A is on the minus strand). VCF-style: chrX-53411904-G-A. GRCh37 (hg19) VCF-style: chrX-53438854-G-A.
Other names: c.1048-3C>T (NM_001281463.1).
Identifiers: ClinVar variation 1946910 (VCV001946910.8), dbSNP rs1556890570, ClinGen allele CA641906903.

ClinVar aggregate classification (germline): Uncertain significance. Review status: criteria provided, multiple submitters, no conflicts (2 of 4 stars). 2 submissions from 2 submitters: Uncertain significance (2). Last evaluated 2022-04-19.

Conditions:
Congenital muscular hypertrophy-cerebral syndrome (CDLS2). Also called: Cornelia de Lange syndrome 2; SMC1A-Related Cornelia de Lange Syndrome. Identifiers: Orphanet 199, MedGen C1802395, MONDO:0010370, OMIM 300590.

gnomAD v4.1: 4 of 1,211,396 alleles (0.00033%); highest among the groups gnomAD compares: Admixed American, 0.0022%; no homozygotes.

Submissions (2):

Labcorp Genetics (formerly Invitae), Labcorp
Classification: Uncertain significance for Congenital muscular hypertrophy-cerebral syndrome. Last evaluated: 2022-04-19. Review status: criteria provided, single submitter. Criteria: Invitae Variant Classification Sherloc (09022015). Collection method: clinical testing. Allele origin: germline.
Comment: This variant has not been reported in the literature in individuals affected with SMC1A-related conditions. This variant is present in population databases (no rsID available, gnomAD 0.005%), including at least one homozygous and/or hemizygous individual. This sequence change falls in intron 6 of the SMC1A gene. It does not directly change the encoded amino acid sequence of the SMC1A protein. It affects a nucleotide within the consensus splice site. Variants that disrupt the consensus splice site are a relatively common cause of aberrant splicing (PMID: 17576681, 9536098). Algorithms developed to predict the effect of sequence changes on RNA splicing suggest that this variant is not likely to affect RNA splicing. In summary, the available evidence is currently insufficient to determine the role of this variant in disease. Therefore, it has been classified as a Variant of Uncertain Significance.

Revvity Omics, Revvity
Classification: Uncertain significance. Last evaluated: 2021-09-01. Review status: criteria provided, single submitter. Criteria: ACMG Guidelines, 2015. Collection method: clinical testing. Allele origin: germline.

Literature cited by the submitters: PubMed 17576681 (cited by Labcorp Genetics (formerly Invitae), Labcorp); PubMed 9536098 (cited by Labcorp Genetics (formerly Invitae), Labcorp).